The following is an entry in ClinVar:

ClinVar aggregate classification (germline): Uncertain significance (1 of 4 stars; one submission).

gnomAD v4.1: 2 of 1,614,006 alleles (0.00012%); highest among the groups gnomAD compares: Non-Finnish European, 0.00017%; no homozygotes.

Submission:

Women's Health and Genetics/Laboratory Corporation of America, LabCorp
Classification: Uncertain significance. Last evaluated: 2024-12-30. Review status: criteria provided, single submitter. Criteria: LabCorp Variant Classification Summary - May 2015. Collection method: clinical testing. Allele origin: germline.
Comment: Variant summary: SON c.4573G>C (p.Glu1525Gln) results in a conservative amino acid change in the encoded protein sequence. Four of five in-silico tools predict a benign effect of the variant on protein function. The variant was absent in 250876 control chromosomes. The available data on variant occurrences in the general population are insufficient to allow any conclusion about variant significance. To our knowledge, no occurrence of c.4573G>C in individuals affected with ZTTK Syndrome and no experimental evidence demonstrating its impact on protein function have been reported. No submitters have cited clinical-significance assessments for this variant to ClinVar. Based on the evidence outlined above, the variant was classified as uncertain significance.

NM_138927.4(SON):c.4573G>C (p.Glu1525Gln)

Gene: SON (SON DNA and RNA binding protein; plus strand). Cytogenetic location: 21q22.11.
Variant type: single nucleotide variant.
Coding change: c.4573G>C on transcript NM_138927.4 (MANE Select); coding-DNA position 4573, G replaced by C.
Protein change: p.Glu1525Gln; replaces glutamic acid 1525 with glutamine.
Molecular consequence: missense variant. On other transcripts: non-coding transcript variant (1), intron variant (1).
Genome position (GRCh38, 1-based): chr21:33,553,804, G>C. VCF-style: chr21-33553804-G-C. GRCh37 (hg19) VCF-style: chr21-34926110-G-C.
Other names: c.4573G>C, p.Glu1525Gln (NM_001291411.2, NM_032195.3); c.245-3352G>C (NM_001291412.3); short protein forms E1525Q.
Identifiers: ClinVar variation 3768084 (VCV003768084.1).